The following is an entry in ClinVar:

ClinVar aggregate classification (germline): Pathogenic (1 of 4 stars; one submission).

Conditions:
Hereditary cancer-predisposing syndrome. Also called: Neoplastic Syndromes, Hereditary; Tumor predisposition; Hereditary neoplastic syndrome; Hereditary Cancer Syndrome. Identifiers: Orphanet 140162, MedGen C0027672, MeSH D009386, MONDO:0015356.
Cardiovascular phenotype. Identifiers: MedGen CN230736.

Submission:

Ambry Genetics
Classification: Pathogenic for Cardiovascular phenotype; Hereditary cancer-predisposing syndrome. Last evaluated: 2024-03-05. Review status: criteria provided, single submitter. Criteria: Ambry Variant Classification Scheme 2023. Collection method: clinical testing. Allele origin: germline.
Comment: The c.6139_6194dup56 variant, located in coding exon 41 of the NF1 gene, results from a duplication of ACTTTAGAACAACATCTTATGTGGGATGATATTGCTATTTTAGCACGCTACATGCT at nucleotide positions 6139 to 6194, causing a translational frameshift with a predicted alternate stop codon (p.M2066Lfs*2). This alteration is expected to result in loss of function by premature protein truncation or nonsense-mediated mRNA decay. As such, this alteration is interpreted as a disease-causing mutation.

NM_001042492.3(NF1):c.6202_6257dup (p.Leu2086_Met2087insLeuTer)

Gene: NF1 (neurofibromin 1; plus strand). Cytogenetic location: 17q11.2.
Variant type: Duplication.
Coding change: c.6202_6257dup on transcript NM_001042492.3 (MANE Select); coding-DNA positions 6202 to 6257, 56 bases duplicated.
Protein change: p.Leu2086_Met2087insLeuTer.
Molecular consequence: nonsense, inframe insertion. On other transcripts: frameshift variant (1).
Genome position (GRCh38, 1-based): chr17:31,336,689-31,336,744, 56 bases duplicated. GRCh37 (hg19): chr17:29,663,707-29,663,762.
Other names: c.6139_6194dupACTTTAGAACAACATCTTATGTGGGATGATATTGCTATTTTAGCACGCTACATGCT (NM_000267.3); c.6139_6194dup, p.Met2066Leufs (NM_000267.4).
Identifiers: ClinVar variation 3237864 (VCV003237864.1), dbSNP rs2508748209.